The following is an entry in ClinVar:

ClinVar aggregate classification (germline): Uncertain significance (1 of 4 stars; one submission).

Allele frequency attached by ClinVar (database versions not stated): gnomAD exomes below 0.00001; TOPMed below 0.00001; ExAC 0.00001.

Submission:

Labcorp Genetics (formerly Invitae), Labcorp
Classification: Uncertain significance. Last evaluated: 2023-08-17. Review status: criteria provided, single submitter. Criteria: Invitae Variant Classification Sherloc (09022015). Collection method: clinical testing. Allele origin: germline.
Comment: This sequence change replaces leucine, which is neutral and non-polar, with tryptophan, which is neutral and slightly polar, at codon 914 of the ENPP1 protein (p.Leu914Trp). This variant is not present in population databases (gnomAD no frequency). In summary, the available evidence is currently insufficient to determine the role of this variant in disease. Therefore, it has been classified as a Variant of Uncertain Significance. Advanced modeling of protein sequence and biophysical properties (such as structural, functional, and spatial information, amino acid conservation, physicochemical variation, residue mobility, and thermodynamic stability) performed at Invitae indicates that this missense variant is expected to disrupt ENPP1 protein function. ClinVar contains an entry for this variant (Variation ID: 1368302). This variant has not been reported in the literature in individuals affected with ENPP1-related conditions.

NM_006208.3(ENPP1):c.2741T>G (p.Leu914Trp)

Gene: ENPP1 (ectonucleotide pyrophosphatase/phosphodiesterase 1; plus strand). Cytogenetic location: 6q23.2.
Variant type: single nucleotide variant.
Coding change: c.2741T>G on transcript NM_006208.3 (MANE Select); coding-DNA position 2741, T replaced by G.
Protein change: p.Leu914Trp; replaces leucine 914 with tryptophan.
Molecular consequence: missense variant.
Genome position (GRCh38, 1-based): chr6:131,890,474, T>G. VCF-style: chr6-131890474-T-G. GRCh37 (hg19) VCF-style: chr6-132211614-T-G.
Other names: short protein forms L914W.
Identifiers: ClinVar variation 1368302 (VCV001368302.8), dbSNP rs751725130, ClinGen allele CA4002624.